The following is an entry in ClinVar:

ClinVar aggregate classification (germline): Uncertain significance. Review status: criteria provided, multiple submitters, no conflicts (2 of 4 stars). 3 submissions from 3 submitters: Uncertain significance (3). Last evaluated 2022-03-22.

Conditions:
Emery-Dreifuss muscular dystrophy 4, autosomal dominant (EDMD4). Also called: EMERY-DREIFUSS MUSCULAR DYSTROPHY 4 WITH VARIABLE FEATURES. Identifiers: Orphanet 261, MedGen C2751807, MONDO:0013071, OMIM 612998.
Autosomal recessive ataxia, Beauce type. Also called: SYNE1 Deficiency; Spinocerebellar ataxia, autosomal recessive 8; ATAXIA, RECESSIVE, OF BEAUCE; SYNE1-Related Autosomal Recessive Cerebellar Ataxia. Identifiers: Orphanet 88644, MedGen C1853116, MONDO:0012549, OMIM 610743.

Allele frequency attached by ClinVar (database versions not stated): gnomAD exomes below 0.00001.
gnomAD v4.1: 1 of 1,613,980 alleles (0.000062%); no homozygotes.

Submissions (3):

Labcorp Genetics (formerly Invitae), Labcorp
Classification: Uncertain significance for Emery-Dreifuss muscular dystrophy 4, autosomal dominant; Autosomal recessive ataxia, Beauce type. Last evaluated: 2022-03-22. Review status: criteria provided, single submitter. Criteria: Invitae Variant Classification Sherloc (09022015). Collection method: clinical testing. Allele origin: germline.
Comment: This variant has not been reported in the literature in individuals affected with SYNE1-related conditions. This variant is not present in population databases (gnomAD no frequency). This sequence change replaces glycine, which is neutral and non-polar, with serine, which is neutral and polar, at codon 3049 of the SYNE1 protein (p.Gly3049Ser). In summary, the available evidence is currently insufficient to determine the role of this variant in disease. Therefore, it has been classified as a Variant of Uncertain Significance. Algorithms developed to predict the effect of missense changes on protein structure and function output the following: SIFT: "Tolerated"; PolyPhen-2: "Benign"; Align-GVGD: "Class C0". The serine amino acid residue is found in multiple mammalian species, which suggests that this missense change does not adversely affect protein function. ClinVar contains an entry for this variant (Variation ID: 499102).

Revvity Omics, Revvity
Classification: Uncertain significance. Last evaluated: 2019-01-15. Review status: criteria provided, single submitter. Criteria: ACMG Guidelines, 2015. Collection method: clinical testing. Allele origin: germline.

Eurofins Ntd Llc (ga)
Classification: Uncertain significance. Last evaluated: 2016-12-28. Review status: criteria provided, single submitter. Criteria: EGL Classification Definitions 2015. Collection method: clinical testing. Allele origin: germline. Observed: 1 variant allele, 1 heterozygote.

NM_182961.4(SYNE1):c.9124G>A (p.Gly3042Ser)

Gene: SYNE1 (spectrin repeat containing nuclear envelope protein 1; minus strand). Cytogenetic location: 6q25.2.
Variant type: single nucleotide variant.
Coding change: c.9124G>A on transcript NM_182961.4 (MANE Select); coding-DNA position 9124, G replaced by A.
Protein change: p.Gly3042Ser; replaces glycine 3042 with serine.
Molecular consequence: missense variant.
Genome position (GRCh38, 1-based): chr6:152,376,798, C>T on the plus strand (G>A on the coding strand, the complement: SYNE1 is on the minus strand). VCF-style: chr6-152376798-C-T. GRCh37 (hg19) VCF-style: chr6-152697933-C-T.
Other names: c.9145G>A (NM_033071.3); c.9145G>A, p.Gly3049Ser (NM_033071.5); short protein forms G3042S, G3049S.
Identifiers: ClinVar variation 499102 (VCV000499102.12), dbSNP rs1554580101, ClinGen allele CA366141748.
Genomic context (GRCh38, chr6:152,376,798, plus strand): 5'-ATAAAAATATCTTGAACACCAATAAGGTTCATGCTCACCAATTATACTCTTTAATCAAGC[C>T]AGAAACTTTTCCACTGTAGGTACTCAGGTCTCTGGAAAATCGACAAAGTTCATTCAGCTG-3'
Protein context (NP_892006.3, residues 3032-3052): DLSTYSGKVS[Gly3042Ser]LIKEYNCLCL